The following is an entry in ClinVar:

NM_002439.5(MSH3):c.1453+3A>C

Gene: MSH3 (mutS homolog 3; plus strand). Cytogenetic location: 5q14.1.
Variant type: single nucleotide variant.
Coding change: c.1453+3A>C on transcript NM_002439.5 (MANE Select); 3 bases into the intron after coding-DNA position 1453, A replaced by C.
Molecular consequence: intron variant.
Genome position (GRCh38, 1-based): chr5:80,725,568, A>C. VCF-style: chr5-80725568-A-C. GRCh37 (hg19) VCF-style: chr5-80021387-A-C.
Identifiers: ClinVar variation 4842836 (VCV004842836.1).

ClinVar aggregate classification (germline): Uncertain significance (1 of 4 stars; one submission).

Conditions:
Hereditary cancer-predisposing syndrome. Also called: Neoplastic Syndromes, Hereditary; Tumor predisposition; Hereditary Cancer Syndrome; Hereditary neoplastic syndrome. Identifiers: Orphanet 140162, MedGen C0027672, MeSH D009386, MONDO:0015356.

Submission:

Ambry Genetics
Classification: Uncertain significance for Hereditary cancer-predisposing syndrome. Last evaluated: 2025-12-17. Review status: criteria provided, single submitter. Criteria: Ambry Variant Classification Scheme 2023. Collection method: clinical testing. Allele origin: germline.
Comment: The c.1453+3A>C intronic variant results from an A to C substitution 3 nucleotides after coding exon 9 in the MSH3 gene. This nucleotide position is highly conserved in available vertebrate species. In silico splice site analysis predicts that this alteration may weaken the native splice donor site and will result in the creation or strengthening of a novel splice donor site; however, direct evidence is insufficient at this time (Ambry internal data). Based on the available evidence, the clinical significance of this variant remains unclear.